The following is an entry in ClinVar:

NM_004415.4(DSP):c.1012C>T (p.Leu338Phe)

Gene: DSP (desmoplakin; plus strand). Cytogenetic location: 6p24.3.
Variant type: single nucleotide variant.
Coding change: c.1012C>T on transcript NM_004415.4 (MANE Select); coding-DNA position 1012, C replaced by T.
Protein change: p.Leu338Phe; replaces leucine 338 with phenylalanine.
Molecular consequence: missense variant.
Genome position (GRCh38, 1-based): chr6:7,566,449, C>T. VCF-style: chr6-7566449-C-T. GRCh37 (hg19) VCF-style: chr6-7566682-C-T.
Other names: p.L338F:CTC>TTC; c.1012C>T (LRG_423t1); c.1012C>T, p.Leu338Phe (NM_001008844.3, NM_001319034.2); short protein forms L338F.
Identifiers: ClinVar variation 199857 (VCV000199857.16), dbSNP rs774852168, ClinGen allele CA004749.

ClinVar aggregate classification (germline): Uncertain significance. Review status: criteria provided, multiple submitters, no conflicts (2 of 4 stars). 5 submissions from 5 submitters: Uncertain significance (5). Last evaluated 2025-10-17.

Conditions:
Cardiovascular phenotype. Identifiers: MedGen CN230736.
Arrhythmogenic cardiomyopathy with wooly hair and keratoderma. Also called: Carvajal syndrome; Dilated cardiomyopathy with woolly hair and keratoderma; Arrhythmogenic cardiomyopathy with woolly hair and keratoderma; PALMOPLANTAR KERATODERMA WITH LEFT VENTRICULAR CARDIOMYOPATHY AND WOOLLY HAIR. Identifiers: Orphanet 65282, MedGen C1854063, MONDO:0011581, OMIM 605676.
Arrhythmogenic right ventricular dysplasia 8 (ARVD8). Also called: Arrhythmogenic Right Ventricular Dysplasia/Cardiomyopathy 8; ARRHYTHMOGENIC RIGHT VENTRICULAR CARDIOMYOPATHY 8; ARRHYTHMOGENIC RIGHT VENTRICULAR DYSPLASIA, FAMILIAL, 8. Identifiers: MedGen C1843896, MONDO:0011831, OMIM 607450.
Cardiomyopathy (CMYO). Also called: Cardiomyopathies. Identifiers: Orphanet 167848, MedGen C0878544, MONDO:0004994, HP:0001638. Inheritance: Various modes of inheritance.

Allele frequency attached by ClinVar (database versions not stated): gnomAD exomes below 0.00001; ExAC 0.00001; gnomAD 0.00001; TOPMed 0.00001.

Submissions (5):

Labcorp Genetics (formerly Invitae), Labcorp
Classification: Uncertain significance for Arrhythmogenic cardiomyopathy with wooly hair and keratoderma; Arrhythmogenic right ventricular dysplasia 8. Last evaluated: 2025-10-17. Review status: criteria provided, single submitter. Criteria: Invitae Variant Classification Sherloc (09022015). Collection method: clinical testing. Allele origin: germline.
Comment: This sequence change replaces leucine, which is neutral and non-polar, with phenylalanine, which is neutral and non-polar, at codon 338 of the DSP protein (p.Leu338Phe). This variant is present in population databases (rs774852168, gnomAD 0.0009%). This variant has not been reported in the literature in individuals affected with DSP-related conditions. ClinVar contains an entry for this variant (Variation ID: 199857). An algorithm developed to predict the effect of missense changes on protein structure and function (PolyPhen-2) suggests that this variant is likely to be disruptive. In summary, the available evidence is currently insufficient to determine the role of this variant in disease. Therefore, it has been classified as a Variant of Uncertain Significance.

Color Diagnostics, LLC DBA Color Health
Classification: Uncertain significance for Cardiomyopathy. Last evaluated: 2024-03-06. Review status: criteria provided, single submitter. Criteria: ACMG Guidelines, 2015. Collection method: clinical testing. Allele origin: germline.
Comment: This missense variant replaces leucine with phenylalanine at codon 338 of the DSP protein. Computational prediction suggests that this variant may not impact protein structure and function (internally defined REVEL score threshold <= 0.5, PMID: 27666373). To our knowledge, functional studies have not been reported for this variant. This variant has not been reported in individuals affected with cardiovascular disorders in the literature. This variant has been identified in 1/251032 chromosomes in the general population by the Genome Aggregation Database (gnomAD). The available evidence is insufficient to determine the role of this variant in disease conclusively. Therefore, this variant is classified as a Variant of Uncertain Significance.

Ambry Genetics
Classification: Uncertain significance for Cardiovascular phenotype. Last evaluated: 2021-08-05. Review status: criteria provided, single submitter. Criteria: Ambry Variant Classification Scheme 2023. Collection method: clinical testing. Allele origin: germline.
Comment: The p.L338F variant (also known as c.1012C>T), located in coding exon 8 of the DSP gene, results from a C to T substitution at nucleotide position 1012. The leucine at codon 338 is replaced by phenylalanine, an amino acid with highly similar properties. This amino acid position is conserved. In addition, this alteration is predicted to be tolerated by in silico analysis. Since supporting evidence is limited at this time, the clinical significance of this alteration remains unclear.

Women's Health and Genetics/Laboratory Corporation of America, LabCorp
Classification: Uncertain significance. Last evaluated: 2019-02-06. Review status: criteria provided, single submitter. Criteria: LabCorp Variant Classification Summary - May 2015. Collection method: clinical testing. Allele origin: germline.
Comment: Variant summary: DSP c.1012C>T (p.Leu338Phe) results in a non-conservative amino acid change located in the Spectrin/alpha-actinin domain of the encoded protein sequence. Three of five in-silico tools predict a damaging effect of the variant on protein function. The variant allele was found at a frequency of 4.1e-06 in 245812 control chromosomes (gnomAD). The available data on variant occurrences in the general population are insufficient to allow any conclusion about variant significance. To our knowledge, no occurrence of c.1012C>T in individuals affected with Arrhythmia and no experimental evidence demonstrating its impact on protein function have been reported. No clinical diagnostic laboratories have submitted clinical-significance assessments for this variant to ClinVar after 2014. Based on the evidence outlined above, the variant was classified as uncertain significance.

GeneDx
Classification: Uncertain significance. Last evaluated: 2013-04-18. Review status: criteria provided, single submitter. Criteria: GeneDx Variant Classification (06012015). Collection method: clinical testing. Allele origin: germline. Affected: yes.
Comment: p.Leu338Phe (CTC>TTC): c.1012 C>T in exon 8 of the DSP gene (NM_004415.2). The Leu338Phe variant in the DSP gene has not been reported as a disease-causing mutation or as a benign polymorphism to our knowledge. Leu338Phe results in a semi-conservative amino acid substitution of non-polar Leucine with a larger, non-polar Phenylalanine at a position that is conserved across species. In silico analysis predicts Leu338Phe is probably damaging to the protein structure/function. The Leu338Phe variant was not observed in approximately 6,500 individuals of European and African American ancestry in the NHLBI Exome Sequencing Project, indicating it is not a common benign variant in these populations. Nevertheless, no mutations in nearby codons have been reported in association with ARVC. With the clinical and molecular information available at this time, we cannot definitively determine if Leu338Phe is a disease-causing mutation or a rare benign variant. The variant is found in ARVC panel(s).